The following is an entry in ClinVar:

ClinVar aggregate classification (germline): Uncertain significance (1 of 4 stars; one submission).

Conditions:
Catecholaminergic polymorphic ventricular tachycardia 1. Also called: RYR2-Related Catecholaminergic Polymorphic Ventricular Tachycardia; VENTRICULAR TACHYCARDIA, STRESS-INDUCED POLYMORPHIC 1; VENTRICULAR TACHYCARDIA, CATECHOLAMINERGIC POLYMORPHIC, 1, WITH OR WITHOUT ATRIAL DYSFUNCTION AND/OR DILATED CARDIOMYOPATHY. Identifiers: Orphanet 3286, MedGen C1631597, MONDO:0011484, OMIM 604772.

Allele frequency attached by ClinVar (database versions not stated): gnomAD exomes below 0.00001.
gnomAD v4.1: 2 of 1,605,772 alleles (0.00012%); highest among the groups gnomAD compares: Non-Finnish European, 0.00017%; no homozygotes.

Submission:

Labcorp Genetics (formerly Invitae), Labcorp
Classification: Uncertain significance for Catecholaminergic polymorphic ventricular tachycardia 1. Last evaluated: 2025-12-03. Review status: criteria provided, single submitter. Criteria: Invitae Variant Classification Sherloc (09022015). Collection method: clinical testing. Allele origin: germline.
Comment: This sequence change replaces glutamic acid, which is acidic and polar, with glycine, which is neutral and non-polar, at codon 2064 of the RYR2 protein (p.Glu2064Gly). This variant is not present in population databases (gnomAD no frequency). This variant has not been reported in the literature in individuals affected with RYR2-related conditions. ClinVar contains an entry for this variant (Variation ID: 2093797). Invitae Evidence Modeling of protein sequence and biophysical properties (such as structural, functional, and spatial information, amino acid conservation, physicochemical variation, residue mobility, and thermodynamic stability) indicates that this missense variant is not expected to disrupt RYR2 protein function with a negative predictive value of 95%. In summary, the available evidence is currently insufficient to determine the role of this variant in disease. Therefore, it has been classified as a Variant of Uncertain Significance.

NM_001035.3(RYR2):c.6191A>G (p.Glu2064Gly)

Gene: RYR2 (ryanodine receptor 2; plus strand). Cytogenetic location: 1q43.
Variant type: single nucleotide variant.
Coding change: c.6191A>G on transcript NM_001035.3 (MANE Select); coding-DNA position 6191, A replaced by G.
Protein change: p.Glu2064Gly; replaces glutamic acid 2064 with glycine.
Molecular consequence: missense variant.
Genome position (GRCh38, 1-based): chr1:237,627,831, A>G. VCF-style: chr1-237627831-A-G. GRCh37 (hg19) VCF-style: chr1-237791131-A-G.
Other names: short protein forms E2064G.
Identifiers: ClinVar variation 2093797 (VCV002093797.4), dbSNP rs2546887827, ClinGen allele CA345410379.